The following is an entry in ClinVar:

NM_001256.6(CDC27):c.501A>T (p.Thr167=)

Gene: CDC27 (cell division cycle 27; minus strand). Cytogenetic location: 17q21.32.
Variant type: single nucleotide variant.
Coding change: c.501A>T on transcript NM_001256.6 (MANE Select); coding-DNA position 501, A replaced by T.
Protein change: p.Thr167=; no amino-acid change (threonine 167 retained).
Molecular consequence: synonymous variant. On other transcripts: 5 prime UTR variant (1), non-coding transcript variant (1).
Genome position (GRCh38, 1-based): chr17:47,157,359, T>A on the plus strand (A>T on the coding strand, the complement: CDC27 is on the minus strand). VCF-style: chr17-47157359-T-A. GRCh37 (hg19) VCF-style: chr17-45234725-T-A.
Other names: c.501A>T, p.Thr167= (NM_001114091.4, NM_001293089.3, NM_001353035.2 and 1 more transcripts); c.318A>T, p.Thr106= (NM_001293091.3, NM_001353049.2); c.192A>T, p.Thr64= (NM_001353050.2); c.-769A>T (NM_001353051.2).
Identifiers: ClinVar variation 2647873 (VCV002647873.24), dbSNP rs747953129, ClinGen allele CA291185978.

ClinVar aggregate classification (germline): Likely benign (1 of 4 stars; one submission).

Allele frequency attached by ClinVar (database versions not stated): gnomAD exomes below 0.00001.
gnomAD v4.1: 2 of 1,612,470 alleles (0.00012%); highest among the groups gnomAD compares: Non-Finnish European, 0.00017%; no homozygotes.

Submission:

CeGaT Center for Human Genetics Tuebingen
Classification: Likely benign. Last evaluated: 2023-09-01. Review status: criteria provided, single submitter. Criteria: CeGaT Center For Human Genetics Tuebingen Variant Classification Criteria Version 2. Collection method: clinical testing. Allele origin: germline. Affected: yes. Observed: 1 variant allele.
Comment: CDC27: PM2:Supporting, BP4, BP7